The following is an entry in ClinVar:

ClinVar aggregate classification (germline): Uncertain significance (1 of 4 stars; one submission).

Conditions:
UBIAD1-related disorder. Also called: UBIAD1-related condition.

Allele frequency attached by ClinVar (database versions not stated): gnomAD exomes below 0.00001.
gnomAD v4.1: 4 of 1,614,212 alleles (0.00025%); highest among the groups gnomAD compares: Non-Finnish European, 0.00034%; no homozygotes.

Submission:

PreventionGenetics, part of Exact Sciences
Classification: Uncertain significance for UBIAD1-related condition. Last evaluated: 2022-09-02. Review status: criteria provided, single submitter. Criteria: ACMG Guidelines, 2015. Collection method: clinical testing. Allele origin: germline.
Comment: The UBIAD1 c.991C>T variant is predicted to result in the amino acid substitution p.Pro331Ser. To our knowledge, this variant has not been reported in the literature or in a large population database, indicating this variant is rare. At this time, the clinical significance of this variant is uncertain due to the absence of conclusive functional and genetic evidence.

NM_013319.3(UBIAD1):c.991C>T (p.Pro331Ser)

Gene: UBIAD1 (UbiA prenyltransferase domain containing 1; plus strand). Cytogenetic location: 1p36.22.
Variant type: single nucleotide variant.
Coding change: c.991C>T on transcript NM_013319.3 (MANE Select); coding-DNA position 991, C replaced by T.
Protein change: p.Pro331Ser; replaces proline 331 with serine.
Molecular consequence: missense variant. On other transcripts: intron variant (2).
Genome position (GRCh38, 1-based): chr1:11,286,105, C>T. VCF-style: chr1-11286105-C-T. GRCh37 (hg19) VCF-style: chr1-11346162-C-T.
Other names: c.618+373C>T (NM_001330349.2); c.530-8768C>T (NM_001330350.2); short protein forms P331S.
Identifiers: ClinVar variation 2636339 (VCV002636339.1), dbSNP rs2523566293, ClinGen allele CA338692685.
Genomic context (GRCh38, chr1:11,286,105, plus strand): 5'-AGGACTGCCAAGCTCAACCTCCTGCTGGGACTTTTCTATGTCTTTGGCATCATTCTGGCA[C>T]CAGCAGGCAGTCTGCCCAAAATTTAAGGGGACAAGTAGCTCCCCCCACGACATGTCTCCC-3'
Protein context (NP_037451.1, residues 321-338): LFYVFGIILA[Pro331Ser]AGSLPKI